The following is an entry in ClinVar:

NM_001394062.1(MACF1):c.16149+5G>T

Gene: MACF1 (microtubule actin crosslinking factor 1; plus strand). Cytogenetic location: 1p34.3.
Variant type: single nucleotide variant.
Coding change: c.16149+5G>T on transcript NM_001394062.1 (MANE Select); 5 bases into the intron after coding-DNA position 16149, G replaced by T.
Molecular consequence: intron variant.
Genome position (GRCh38, 1-based): chr1:39,422,905, G>T. VCF-style: chr1-39422905-G-T. GRCh37 (hg19) VCF-style: chr1-39888577-G-T.
Other names: c.9963+5G>T (NM_012090.5); c.4545+5G>T (NM_001397473.1).
Identifiers: ClinVar variation 3699880 (VCV003699880.2).
Genomic context (GRCh38, chr1:39,422,905, plus strand): 5'-AGAAACCTCCATCTGCTGAGTATAAAGTGGTGAAAGCACAGATCCAAGAACAGAAGGTAA[G>T]TGAGAATGTTGGGACAGTGAACTGTAACAGCCGTAGGGAGTAGTAGACAACACATTTGCT-3'

ClinVar aggregate classification (germline): Uncertain significance (1 of 4 stars; one submission).

gnomAD v4.1: 6 of 1,613,494 alleles (0.00037%); highest among the groups gnomAD compares: African/African-American, 0.008%; no homozygotes.

Submission:

Labcorp Genetics (formerly Invitae), Labcorp
Classification: Uncertain significance. Last evaluated: 2024-07-07. Review status: criteria provided, single submitter. Criteria: Invitae Variant Classification Sherloc (09022015). Collection method: clinical testing. Allele origin: germline.
Comment: This sequence change falls in intron 54 of the MACF1 gene. It does not directly change the encoded amino acid sequence of the MACF1 protein. It affects a nucleotide within the consensus splice site. This variant is present in population databases (rs372179014, gnomAD 0.008%). This variant has not been reported in the literature in individuals affected with MACF1-related conditions. Variants that disrupt the consensus splice site are a relatively common cause of aberrant splicing (PMID: 17576681, 9536098). Algorithms developed to predict the effect of sequence changes on RNA splicing suggest that this variant is not likely to affect RNA splicing. In summary, the available evidence is currently insufficient to determine the role of this variant in disease. Therefore, it has been classified as a Variant of Uncertain Significance.

Literature cited by the submitters: PubMed 17576681; PubMed 9536098.